The following is an entry in ClinVar:

NM_015213.4(DENND5A):c.1481G>A (p.Ser494Asn)

Gene: DENND5A (DENN domain containing 5A; minus strand). Cytogenetic location: 11p15.4.
Variant type: single nucleotide variant.
Coding change: c.1481G>A on transcript NM_015213.4 (MANE Select); coding-DNA position 1481, G replaced by A.
Protein change: p.Ser494Asn; replaces serine 494 with asparagine.
Molecular consequence: missense variant. On other transcripts: non-coding transcript variant (1).
Genome position (GRCh38, 1-based): chr11:9,179,048, C>T on the plus strand (G>A on the coding strand, the complement: DENND5A is on the minus strand). VCF-style: chr11-9179048-C-T. GRCh37 (hg19) VCF-style: chr11-9200595-C-T.
Other names: c.1481G>A, p.Ser494Asn (NM_001243254.2); c.1409G>A, p.Ser470Asn (NM_001348749.2); c.1193G>A, p.Ser398Asn (NM_001348750.2); short protein forms S470N, S398N, S494N.
Identifiers: ClinVar variation 3713714 (VCV003713714.2).

ClinVar aggregate classification (germline): Uncertain significance (1 of 4 stars; one submission).

Submission:

Labcorp Genetics (formerly Invitae), Labcorp
Classification: Uncertain significance. Last evaluated: 2024-08-29. Review status: criteria provided, single submitter. Criteria: Invitae Variant Classification Sherloc (09022015). Collection method: clinical testing. Allele origin: germline.
Comment: This sequence change replaces serine, which is neutral and polar, with asparagine, which is neutral and polar, at codon 494 of the DENND5A protein (p.Ser494Asn). This variant is not present in population databases (gnomAD no frequency). This variant has not been reported in the literature in individuals affected with DENND5A-related conditions. Invitae Evidence Modeling of protein sequence and biophysical properties (such as structural, functional, and spatial information, amino acid conservation, physicochemical variation, residue mobility, and thermodynamic stability) indicates that this missense variant is not expected to disrupt DENND5A protein function with a negative predictive value of 80%. In summary, the available evidence is currently insufficient to determine the role of this variant in disease. Therefore, it has been classified as a Variant of Uncertain Significance.